The following is an entry in ClinVar:

NM_001184.4(ATR):c.7325G>A (p.Arg2442Lys)

Gene: ATR (ATR serine/threonine kinase; minus strand). Cytogenetic location: 3q23.
Variant type: single nucleotide variant.
Coding change: c.7325G>A on transcript NM_001184.4 (MANE Select); coding-DNA position 7325, G replaced by A.
Protein change: p.Arg2442Lys; replaces arginine 2442 with lysine.
Molecular consequence: missense variant.
Genome position (GRCh38, 1-based): chr3:142,459,251, C>T on the plus strand (G>A on the coding strand, the complement: ATR is on the minus strand). VCF-style: chr3-142459251-C-T. GRCh37 (hg19) VCF-style: chr3-142178093-C-T.
Other names: c.7133G>A, p.Arg2378Lys (NM_001354579.2); short protein forms R2378K, R2442K.
Identifiers: ClinVar variation 3462371 (VCV003462371.1).

ClinVar aggregate classification (germline): Uncertain significance (1 of 4 stars; one submission).

Conditions:
Inborn genetic diseases. Identifiers: MedGen C0950123, MeSH D030342.

Submission:

Ambry Genetics
Classification: Uncertain significance for Inborn genetic diseases. Last evaluated: 2024-07-03. Review status: criteria provided, single submitter. Criteria: Ambry Variant Classification Scheme 2023. Collection method: clinical testing. Allele origin: germline.
Comment: The p.R2442K variant (also known as c.7325G>A), located in coding exon 43 of the ATR gene, results from a G to A substitution at nucleotide position 7325. The arginine at codon 2442 is replaced by lysine, an amino acid with highly similar properties. This amino acid position is conserved. In addition, this alteration is predicted to be tolerated by in silico analysis. Based on the available evidence, the clinical significance of this variant remains unclear.